The following is an entry in ClinVar:

NM_003106.4(SOX2):c.775_778del (p.Ser259fs)

Genes: SOX2 (SRY-box transcription factor 2; plus strand), SOX2-OT (SOX2 overlapping transcript; plus strand). Cytogenetic location: 3q26.33.
Variant type: Deletion.
Coding change: c.775_778del on transcript NM_003106.4 (MANE Select); coding-DNA positions 775 to 778, 4 bases deleted (TCCC; older notation c.775_778delTCCC).
Protein change: p.Ser259fs; shifts the reading frame from serine 259.
Molecular consequence: frameshift variant.
Genome position (GRCh38, 1-based): chr3:181,713,135-181,713,138, TCCC deleted; deleting any 4 consecutive bases within chr3:181,713,133-181,713,138 gives the same sequence; the c. name uses the placement nearest the transcript's 3' end. VCF-style (leftmost placement, unchanged base first): chr3-181713132-TCCTC-T. GRCh37 (hg19) VCF-style: chr3-181430920-TCCTC-T.
Other names: short protein forms S259fs.
Identifiers: ClinVar variation 3235168 (VCV003235168.1), dbSNP rs2473720054.

ClinVar aggregate classification (germline): Likely pathogenic (1 of 4 stars; one submission).

Conditions:
Anophthalmia/microphthalmia-esophageal atresia syndrome (MCOPS3). Also called: MICROPHTHALMIA AND ESOPHAGEAL ATRESIA SYNDROME; AEG SYNDROME; SOX2 Disorder. Identifiers: Orphanet 77298, MedGen C1859773, MONDO:0008799, OMIM 206900.

Submission:

MVZ Medizinische Genetik Mainz
Classification: Likely pathogenic for Anophthalmia/microphthalmia-esophageal atresia syndrome. Last evaluated: 2022-05-02. Review status: criteria provided, single submitter. Criteria: UK Practice Guidelines For Variant Classification V4 01 2020. Collection method: clinical testing. Allele origin: germline. Inheritance: Autosomal dominant inheritance. Affected: yes. Observed: 1 variant allele.
Comment: ACMG Criteria: PVS1, PM2_SUP (ACMG Version 3)